The following is an entry in ClinVar:

ClinVar aggregate classification (germline): Uncertain significance (1 of 4 stars; one submission).

Conditions:
Ataxia-telangiectasia-like disorder (ATLD). Identifiers: MedGen C1858391, MONDO:0011457.

Submission:

Labcorp Genetics (formerly Invitae), Labcorp
Classification: Uncertain significance for Ataxia-telangiectasia-like disorder. Last evaluated: 2024-10-21. Review status: criteria provided, single submitter. Criteria: Invitae Variant Classification Sherloc (09022015). Collection method: clinical testing. Allele origin: germline.
Comment: This sequence change falls in intron 3 of the MRE11 gene. It does not directly change the encoded amino acid sequence of the MRE11 protein. It affects a nucleotide within the consensus splice site. This variant is not present in population databases (gnomAD no frequency). This variant has not been reported in the literature in individuals affected with MRE11-related conditions. ClinVar contains an entry for this variant (Variation ID: 651995). Variants that disrupt the consensus splice site are a relatively common cause of aberrant splicing (PMID: 17576681, 9536098). Algorithms developed to predict the effect of sequence changes on RNA splicing suggest that this variant may disrupt the consensus splice site. In summary, the available evidence is currently insufficient to determine the role of this variant in disease. Therefore, it has been classified as a Variant of Uncertain Significance.

Literature cited by the submitters: PubMed 17576681; PubMed 9536098.

NM_005591.4(MRE11):c.153+6T>C

Gene: MRE11 (MRE11 double strand break repair nuclease; minus strand). Cytogenetic location: 11q21.
Variant type: single nucleotide variant.
Coding change: c.153+6T>C on transcript NM_005591.4 (MANE Select); 6 bases into the intron after coding-DNA position 153, T replaced by C.
Molecular consequence: intron variant.
Genome position (GRCh38, 1-based): chr11:94,490,827, A>G on the plus strand (T>C on the coding strand, the complement: MRE11 is on the minus strand). VCF-style: chr11-94490827-A-G. GRCh37 (hg19) VCF-style: chr11-94223993-A-G.
Other names: c.153+6T>C (NM_001330347.2, NM_005590.4).
Identifiers: ClinVar variation 651995 (VCV000651995.6), dbSNP rs1591726473, ClinGen allele CA915948383.